The following is an entry in ClinVar:

ClinVar aggregate classification (germline): Uncertain significance. Review status: criteria provided, multiple submitters, no conflicts (2 of 4 stars). 2 submissions from 2 submitters: Uncertain significance (2). Last evaluated 2025-09-02.

Conditions:
Arrhythmogenic right ventricular dysplasia 10. Also called: Arrhythmogenic Right Ventricular Dysplasia/Cardiomyopathy10; ARRHYTHMOGENIC RIGHT VENTRICULAR DYSPLASIA, FAMILIAL, 10; Arrhythmogenic right ventricular dysplasia/cardiomyopathy, type 10. Identifiers: MedGen C1857777, MONDO:0012434, OMIM 610193.
Cardiovascular phenotype. Identifiers: MedGen CN230736.

Allele frequency attached by ClinVar (database versions not stated): gnomAD exomes below 0.00001.
gnomAD v4.1: 2 of 1,613,732 alleles (0.00012%); highest among the groups gnomAD compares: Non-Finnish European, 0.00017%; no homozygotes.

Submissions (2):

Ambry Genetics
Classification: Uncertain significance for Cardiovascular phenotype. Last evaluated: 2025-09-02. Review status: criteria provided, single submitter. Criteria: Ambry Variant Classification Scheme 2023. Collection method: clinical testing. Allele origin: germline.
Comment: The p.R990K variant (also known as c.2969G>A), located in coding exon 15 of the DSG2 gene, results from a G to A substitution at nucleotide position 2969. The arginine at codon 990 is replaced by lysine, an amino acid with highly similar properties. This amino acid position is well conserved in available vertebrate species. In addition, the in silico prediction for this alteration is inconclusive. Based on the available evidence, the clinical significance of this variant remains unclear.

Labcorp Genetics (formerly Invitae), Labcorp
Classification: Uncertain significance for Arrhythmogenic right ventricular dysplasia 10. Last evaluated: 2024-12-31. Review status: criteria provided, single submitter. Criteria: Invitae Variant Classification Sherloc (09022015). Collection method: clinical testing. Allele origin: germline.
Comment: This sequence change replaces arginine, which is basic and polar, with lysine, which is basic and polar, at codon 990 of the DSG2 protein (p.Arg990Lys). This variant is not present in population databases (gnomAD no frequency). This variant has not been reported in the literature in individuals affected with DSG2-related conditions. ClinVar contains an entry for this variant (Variation ID: 1798250). Invitae Evidence Modeling of protein sequence and biophysical properties (such as structural, functional, and spatial information, amino acid conservation, physicochemical variation, residue mobility, and thermodynamic stability) indicates that this missense variant is not expected to disrupt DSG2 protein function with a negative predictive value of 95%. In summary, the available evidence is currently insufficient to determine the role of this variant in disease. Therefore, it has been classified as a Variant of Uncertain Significance.

NM_001943.5(DSG2):c.2969G>A (p.Arg990Lys)

Genes: DSG2 (desmoglein 2; plus strand), DSG2-AS1 (DSG2 antisense RNA 1; minus strand). Cytogenetic location: 18q12.1.
Variant type: single nucleotide variant.
Coding change: c.2969G>A on transcript NM_001943.5 (MANE Select); coding-DNA position 2969, G replaced by A.
Protein change: p.Arg990Lys; replaces arginine 990 with lysine.
Molecular consequence: missense variant.
Genome position (GRCh38, 1-based): chr18:31,546,355, G>A. VCF-style: chr18-31546355-G-A. GRCh37 (hg19) VCF-style: chr18-29126318-G-A.
Other names: short protein forms R990K.
Identifiers: ClinVar variation 1798250 (VCV001798250.5), dbSNP rs2510922622, ClinGen allele CA402147583.